The following is an entry in ClinVar:

ClinVar aggregate classification (germline): Benign/Likely benign. Review status: criteria provided, multiple submitters, no conflicts (2 of 4 stars). 8 submissions from 8 submitters: Benign (1); Likely benign (7). Last evaluated 2025-11-05.

Conditions:
Mismatch repair cancer syndrome 3. Identifiers: MedGen C5436807, MONDO:0030841, OMIM 619097.
Lynch syndrome. Identifiers: Orphanet 144, MedGen C4552100, MONDO:0005835. Disease mechanism: loss of function.
Hereditary nonpolyposis colorectal neoplasms. Identifiers: MedGen C0009405, MeSH D003123.
Hereditary cancer-predisposing syndrome. Also called: Neoplastic Syndromes, Hereditary; Tumor predisposition; Hereditary Cancer Syndrome; Hereditary neoplastic syndrome. Identifiers: Orphanet 140162, MedGen C0027672, MeSH D009386, MONDO:0015356.
Lynch syndrome 5 (LYNCH5). Also called: Colorectal cancer, hereditary nonpolyposis, type 5; Hereditary non-polyposis colorectal cancer, type 5. Identifiers: Orphanet 144, MedGen C1833477, MONDO:0013710, OMIM 614350. Disease mechanism: loss of function.

Allele frequency attached by ClinVar (database versions not stated): gnomAD exomes below 0.00001; TOPMed 0.00002.
gnomAD v4.1: 1 of 1,614,124 alleles (0.000062%); highest among the groups gnomAD compares: Non-Finnish European, 0.000085%; no homozygotes.

Submissions (8):

Labcorp Genetics (formerly Invitae), Labcorp
Classification: Likely benign for Hereditary nonpolyposis colorectal neoplasms. Last evaluated: 2025-11-05. Review status: criteria provided, single submitter. Criteria: Invitae Variant Classification Sherloc (09022015). Collection method: clinical testing. Allele origin: germline.

Myriad Genetics, Inc.
Classification: Benign for Lynch syndrome 5. Last evaluated: 2025-01-08. Review status: criteria provided, single submitter. Criteria: Myriad Autosomal Dominant, Autosomal Recessive and X-Linked Classification Criteria (2023). Collection method: clinical testing. Allele origin: unknown.
Comment: This variant is considered benign. This variant is a silent/synonymous amino acid change and it is not expected to impact splicing.

All of Us Research Program, National Institutes of Health
Classification: Likely benign for Lynch syndrome. Last evaluated: 2024-07-15. Review status: criteria provided, single submitter. Criteria: ACMG Guidelines, 2015. Collection method: clinical testing. Allele origin: germline. Inheritance: Autosomal dominant inheritance. Observed: 1 variant allele, 1 heterozygote.
Comment: This study involves interpretation of variants in research participants for the purpose of population health screening. Participant phenotype was not available at the time of variant classification. Additional details can be found in publication PMID: 35346344, PMCID: PMC8962531

Quest Diagnostics Nichols Institute San Juan Capistrano
Classification: Likely benign. Last evaluated: 2023-02-06. Review status: criteria provided, single submitter. Criteria: Quest Diagnostics criteria. Collection method: clinical testing. Allele origin: unknown.

Department of Pathology and Laboratory Medicine, Sinai Health System
Classification: Likely benign for Mismatch repair cancer syndrome 3. Last evaluated: 2020-04-03. Review status: criteria provided, single submitter. Criteria: ACMG Guidelines, 2015. Collection method: clinical testing. Allele origin: germline. Affected: yes.

GeneDx
Classification: Likely benign. Last evaluated: 2018-11-16. Review status: criteria provided, single submitter. Criteria: GeneDx Variant Classification Process June 2021. Collection method: clinical testing. Allele origin: germline. Affected: yes.

Color Diagnostics, LLC DBA Color Health
Classification: Likely benign for Hereditary cancer-predisposing syndrome. Last evaluated: 2017-05-09. Review status: criteria provided, single submitter. Criteria: ACMG Guidelines, 2015. Collection method: clinical testing. Allele origin: germline.

Ambry Genetics
Classification: Likely benign for Hereditary cancer-predisposing syndrome. Last evaluated: 2014-11-04. Review status: criteria provided, single submitter. Criteria: Ambry Variant Classification Scheme 2023. Collection method: clinical testing. Allele origin: germline.

NM_000179.3(MSH6):c.3720A>G (p.Lys1240=)

Gene: MSH6 (mutS homolog 6; plus strand). Cytogenetic location: 2p16.3.
Variant type: single nucleotide variant.
Coding change: c.3720A>G on transcript NM_000179.3 (MANE Select); coding-DNA position 3720, A replaced by G.
Protein change: p.Lys1240=; no amino-acid change (lysine 1240 retained).
Molecular consequence: synonymous variant.
Genome position (GRCh38, 1-based): chr2:47,806,277, A>G. VCF-style: chr2-47806277-A-G. GRCh37 (hg19) VCF-style: chr2-48033416-A-G.
Other names: c.3330A>G, p.Lys1110= (NM_001281492.2); c.2814A>G, p.Lys938= (NM_001281493.2, NM_001281494.2).
Identifiers: ClinVar variation 186837 (VCV000186837.25), dbSNP rs786203260, ClinGen allele CA013979.
Genomic context (GRCh38, chr2:47,806,277, plus strand): 5'-AACATTTGATGGGACGGCAATAGCAAATGCAGTTGTTAAAGAACTTGCTGAGACTATAAA[A>G]TGTCGTACATTATTTTCAACTCACTACCATTCATTAGTAGAAGATTATTCTCAAAATGTT-3'
Protein context (NP_000170.1, residues 1230-1250): AVVKELAETI[Lys1240=]CRTLFSTHYH